The following is an entry in ClinVar:

ClinVar aggregate classification (germline): Uncertain significance (1 of 4 stars; one submission).

Conditions:
Familial episodic pain syndrome with predominantly lower limb involvement. Also called: Episodic pain syndrome, familial, 3. Identifiers: Orphanet 391384, Orphanet 391392, MedGen C3809899, MONDO:0014247, OMIM 615552.
Hereditary sensory and autonomic neuropathy type 7. Also called: HSAN VII; Neuropathy, hereditary sensory and autonomic, type VII. Identifiers: Orphanet 391397, MedGen C3809882, MONDO:0014244, OMIM 615548.

Allele frequency attached by ClinVar (database versions not stated): gnomAD 0.00001.
gnomAD v4.1: 2 of 1,613,612 alleles (0.00012%); highest among the groups gnomAD compares: East Asian, 0.0045%; no homozygotes.

Submission:

Labcorp Genetics (formerly Invitae), Labcorp
Classification: Uncertain significance for Familial episodic pain syndrome with predominantly lower limb involvement; Hereditary sensory and autonomic neuropathy type 7. Last evaluated: 2019-06-14. Review status: criteria provided, single submitter. Criteria: Invitae Variant Classification Sherloc (09022015). Collection method: clinical testing. Allele origin: germline.
Comment: In summary, the available evidence is currently insufficient to determine the role of this variant in disease. Therefore, it has been classified as a Variant of Uncertain Significance. Algorithms developed to predict the effect of missense changes on protein structure and function are either unavailable or do not agree on the potential impact of this missense change (SIFT: "Deleterious"; PolyPhen-2: "Probably Damaging"; Align-GVGD: "Class C15"). This variant has not been reported in the literature in individuals with SCN11A-related conditions. This variant is present in population databases (rs752554589, ExAC 0.03%). This sequence change replaces isoleucine with phenylalanine at codon 203 of the SCN11A protein (p.Ile203Phe). The isoleucine residue is highly conserved and there is a small physicochemical difference between isoleucine and phenylalanine.

NM_001349253.2(SCN11A):c.607A>T (p.Ile203Phe)

Gene: SCN11A (sodium voltage-gated channel alpha subunit 11; minus strand). Cytogenetic location: 3p22.2.
Variant type: single nucleotide variant.
Coding change: c.607A>T on transcript NM_001349253.2 (MANE Select); coding-DNA position 607, A replaced by T.
Protein change: p.Ile203Phe; replaces isoleucine 203 with phenylalanine.
Molecular consequence: missense variant.
Genome position (GRCh38, 1-based): chr3:38,926,813, T>A on the plus strand (A>T on the coding strand, the complement: SCN11A is on the minus strand). VCF-style: chr3-38926813-T-A. GRCh37 (hg19) VCF-style: chr3-38968304-T-A.
Other names: c.607A>T, p.Ile203Phe (NM_014139.3); short protein forms I203F.
Identifiers: ClinVar variation 952343 (VCV000952343.6), dbSNP rs752554589, ClinGen allele CA2322580.